The following is an entry in ClinVar:

NM_024642.5(GALNT12):c.1690C>A (p.Arg564=)

Gene: GALNT12 (polypeptide N-acetylgalactosaminyltransferase 12; plus strand). Cytogenetic location: 9q22.33.
Variant type: single nucleotide variant.
Coding change: c.1690C>A on transcript NM_024642.5 (MANE Select); coding-DNA position 1690, C replaced by A.
Protein change: p.Arg564=; no amino-acid change (arginine 564 retained).
Molecular consequence: synonymous variant.
Genome position (GRCh38, 1-based): chr9:98,849,036, C>A. VCF-style: chr9-98849036-C-A. GRCh37 (hg19) VCF-style: chr9-101611318-C-A.
Identifiers: ClinVar variation 1002635 (VCV001002635.11), dbSNP rs200145205, ClinGen allele CA5154347.
Genomic context (GRCh38, chr9:98,849,036, plus strand): 5'-TCCAAGAAATGTGTCCAGGCTGCGAGGAAGGAGTCGAGTGACAGTTTCGTTCCACTCTTA[C>A]GAGACTGCACCAACTCGGATCATCAGAAATGGTTCTTCAAAGAGCGCATGTTATGAAGCC-3'
Protein context (NP_078918.3, residues 554-574): ESSDSFVPLL[Arg564=]DCTNSDHQKW

ClinVar aggregate classification (germline): Benign/Likely benign. Review status: criteria provided, multiple submitters, no conflicts (2 of 4 stars). 3 submissions from 3 submitters: Benign (1); Likely benign (2). Last evaluated 2026-04-28.

Conditions:
Colorectal cancer, susceptibility to, 1. Also called: COLORECTAL ADENOMA AND CANCER, SUSCEPTIBILITY TO; COLORECTAL CANCER, SUSCEPTIBILITY TO, ON CHROMOSOME 9. Identifiers: MedGen C1837315, MONDO:0012132, OMIM 608812.

Allele frequency attached by ClinVar (database versions not stated): ExAC 0.00003; ESP Exome Variant Server 0.00008; TOPMed 0.00003.
gnomAD v4.1: 17 of 1,614,040 alleles (0.0011%); highest among the groups gnomAD compares: Admixed American, 0.0017%; no homozygotes.

Submissions (4):

Myriad Genetics, Inc.
Classification: Benign for Colorectal cancer, susceptibility to, 1. Last evaluated: 2026-04-28. Review status: criteria provided, single submitter. Criteria: Myriad Autosomal Dominant, Autosomal Recessive and X-Linked Classification Criteria (2023). Collection method: clinical testing. Allele origin: unknown.
Comment: This variant is considered benign. This variant is a silent/synonymous amino acid change and it is not expected to impact splicing.

Labcorp Genetics (formerly Invitae), Labcorp
Classification: Likely benign. Last evaluated: 2024-06-21. Review status: criteria provided, single submitter. Criteria: Invitae Variant Classification Sherloc (09022015). Collection method: clinical testing. Allele origin: germline.

Ambry Genetics
Classification: Likely benign. Last evaluated: 2016-10-10. Review status: criteria provided, single submitter. Criteria: Ambry Variant Classification Scheme 2023. Collection method: clinical testing. Allele origin: germline.

Dr. Peter K. Rogan Lab, Western University
No classification provided (evidence only). Condition: Hepatocellular carcinoma. Review status: no classification provided. Collection method: in vitro. Allele origin: not applicable. Functional consequence: retained intron. Not counted in ClinVar's aggregate classification.